The following is an entry in ClinVar:

NM_006734.4(HIVEP2):c.4710T>C (p.Asp1570=)

Gene: HIVEP2 (HIVEP zinc finger 2; minus strand). Cytogenetic location: 6q24.2.
Variant type: single nucleotide variant.
Coding change: c.4710T>C on transcript NM_006734.4 (MANE Select); coding-DNA position 4710, T replaced by C.
Protein change: p.Asp1570=; no amino-acid change (aspartic acid 1570 retained).
Molecular consequence: synonymous variant.
Genome position (GRCh38, 1-based): chr6:142,770,029, A>G on the plus strand (T>C on the coding strand, the complement: HIVEP2 is on the minus strand). VCF-style: chr6-142770029-A-G. GRCh37 (hg19) VCF-style: chr6-143091166-A-G.
Other names: c.4710T>C, p.Asp1570= (NM_001438449.1, NM_001438450.1, NM_001438451.1).
Identifiers: ClinVar variation 4978798 (VCV004978798.1).

ClinVar aggregate classification (germline): Likely benign (1 of 4 stars; one submission).

Conditions:
HIVEP2-related disorder. Also called: HIVEP2-related condition.

gnomAD v4.1: 7 of 1,613,956 alleles (0.00043%); highest among the groups gnomAD compares: Non-Finnish European, 0.00059%; no homozygotes.

Submission:

PreventionGenetics, part of Exact Sciences
Classification: Likely benign for HIVEP2-related condition. Last evaluated: 2025-02-26. Review status: criteria provided, single submitter. Criteria: ACMG Guidelines, 2015. Collection method: clinical testing. Allele origin: germline.
Comment: This variant is classified as likely benign based on ACMG/AMP sequence variant interpretation guidelines (Richards et al. 2015 PMID: 25741868, with internal and published modifications).